The following is an entry in ClinVar:

NM_000255.4(MMUT):c.1333-8_1333-3del

Gene: MMUT (methylmalonyl-CoA mutase; minus strand). Cytogenetic location: 6p12.3.
Variant type: Deletion.
Coding change: c.1333-8_1333-3del on transcript NM_000255.4 (MANE Select); 8 bases into the intron before coding-DNA position 1333 through 3 bases into the intron before coding-DNA position 1333, 6 bases deleted (CTTTTT; older notation c.1333-8_1333-3delCTTTTT).
Molecular consequence: intron variant.
Genome position (GRCh38, 1-based): chr6:49,448,930-49,448,935, AAAAAG deleted on the plus strand (CTTTTT on the coding strand, the reverse complement: MMUT is on the minus strand); deleting any 6 consecutive bases within chr6:49,448,930-49,448,940 gives the same sequence; the c. name uses the placement nearest the transcript's 3' end. VCF-style (leftmost placement, unchanged base first): chr6-49448929-TAAAAAG-T. GRCh37 (hg19) VCF-style: chr6-49416642-TAAAAAG-T.
Identifiers: ClinVar variation 2136405 (VCV002136405.4), dbSNP rs2481329629, ClinGen allele CA2580074723.
Genomic context (GRCh38, chr6:49,448,929, plus strand): 5'-GGTATTCCCTCAGCTACAGCTTTGGCCATTCCACCCATTTCTTCAATTTCATTAATGAGC[TAAAAAG>T]AAAAACATTAACAAAACTAAAAGAGAATATTAAAAATGTGTGTAAACTATATAAATTTGT-3'

ClinVar aggregate classification (germline): Likely pathogenic (1 of 4 stars; one submission).

Submission:

Labcorp Genetics (formerly Invitae), Labcorp
Classification: Likely pathogenic. Last evaluated: 2023-09-08. Review status: criteria provided, single submitter. Criteria: Invitae Variant Classification Sherloc (09022015). Collection method: clinical testing. Allele origin: germline.
Comment: In summary, the currently available evidence indicates that the variant is pathogenic, but additional data are needed to prove that conclusively. Therefore, this variant has been classified as Likely Pathogenic. Studies have shown that this variant results in insertion of 18 bases from intron 6 and introduces a premature termination codon (PMID: 26370686). The resulting mRNA is expected to undergo nonsense-mediated decay. ClinVar contains an entry for this variant (Variation ID: 2136405). This variant is also known as c.IVS6-3to-8delCTTTTT or c.1333–13_c.1333–8delTTTTTC. This variant has been observed in individuals with methylmalonic acidemia (PMID: 26370686, 29924026). This variant is not present in population databases (gnomAD no frequency). This sequence change falls in intron 6 of the MUT gene. It does not directly change the encoded amino acid sequence of the MUT protein. RNA analysis indicates that this variant induces altered splicing and may result in an absent or disrupted protein product.

Literature cited by the submitters: PubMed 26370686; PubMed 29924026.